The following is an entry in ClinVar:

ClinVar aggregate classification (germline): Uncertain significance (1 of 4 stars; one submission).

Conditions:
Long QT syndrome (LQTS). Identifiers: MedGen C0023976, MeSH D008133, MONDO:0002442. Disease mechanism: loss of function. Inheritance: Various modes of inheritance.

Allele frequency attached by ClinVar (database versions not stated): TOPMed 0.00002.

Submission:

Labcorp Genetics (formerly Invitae), Labcorp
Classification: Uncertain significance for Long QT syndrome. Last evaluated: 2020-09-11. Review status: criteria provided, single submitter. Criteria: Invitae Variant Classification Sherloc (09022015). Collection method: clinical testing. Allele origin: germline.
Comment: This sequence change replaces methionine with leucine at codon 2842 of the AKAP9 protein (p.Met2842Leu). The methionine residue is highly conserved and there is a small physicochemical difference between methionine and leucine. This variant is not present in population databases (ExAC no frequency). This variant has not been reported in the literature in individuals with AKAP9-related conditions. Algorithms developed to predict the effect of missense changes on protein structure and function are either unavailable or do not agree on the potential impact of this missense change (SIFT: "Deleterious"; PolyPhen-2: "Benign"; Align-GVGD: "Class C0"). In summary, the available evidence is currently insufficient to determine the role of this variant in disease. Therefore, it has been classified as a Variant of Uncertain Significance.

NM_005751.5(AKAP9):c.8524A>T (p.Met2842Leu)

Gene: AKAP9 (A-kinase anchoring protein 9; plus strand). Cytogenetic location: 7q21.2.
Variant type: single nucleotide variant.
Coding change: c.8524A>T on transcript NM_005751.5 (MANE Select); coding-DNA position 8524, A replaced by T.
Protein change: p.Met2842Leu; replaces methionine 2842 with leucine.
Molecular consequence: missense variant.
Genome position (GRCh38, 1-based): chr7:92,083,533, A>T. VCF-style: chr7-92083533-A-T. GRCh37 (hg19) VCF-style: chr7-91712847-A-T.
Other names: c.3169A>T, p.Met1057Leu (NM_001379277.1); c.8500A>T, p.Met2834Leu (NM_147185.3); short protein forms M2842L, M2834L, M1057L.
Identifiers: ClinVar variation 1040092 (VCV001040092.8), dbSNP rs886062477, ClinGen allele CA368139495.